The following is an entry in ClinVar:

ClinVar aggregate classification (germline): Uncertain significance. Review status: criteria provided, multiple submitters, no conflicts (2 of 4 stars). 3 submissions from 3 submitters: Uncertain significance (3). Last evaluated 2023-12-30.

Conditions:
Joubert syndrome 17 (JBTS17). Identifiers: Orphanet 475, MedGen C3553264, MONDO:0013824, OMIM 614615.
Orofaciodigital syndrome type 6 (OFD6). Also called: OROFACIODIGITAL SYNDROME VI; OFDS VI; POLYDACTYLY, CLEFT LIP/PALATE OR LINGUAL LUMP, AND PSYCHOMOTOR RETARDATION; VARADI SYNDROME; VARADI-PAPP SYNDROME; Oral-facial-digital syndrome type 6. Identifiers: Orphanet 2754, MedGen C2745997, MONDO:0010176, OMIM 277170.

Submissions (3):

Fulgent Genetics
Classification: Uncertain significance for Orofaciodigital syndrome type 6; Joubert syndrome 17. Last evaluated: 2023-12-30. Review status: criteria provided, single submitter. Criteria: ACMG Guidelines, 2015. Collection method: clinical testing. Allele origin: germline.

Labcorp Genetics (formerly Invitae), Labcorp
Classification: Uncertain significance. Last evaluated: 2023-05-15. Review status: criteria provided, single submitter. Criteria: Invitae Variant Classification Sherloc (09022015). Collection method: clinical testing. Allele origin: germline.
Comment: This variant has not been reported in the literature in individuals affected with CPLANE1-related conditions. ClinVar contains an entry for this variant (Variation ID: 432475). Experimental studies and prediction algorithms are not available or were not evaluated, and the functional significance of this variant is currently unknown. In summary, the available evidence is currently insufficient to determine the role of this variant in disease. Therefore, it has been classified as a Variant of Uncertain Significance. Information on the frequency of this variant in the gnomAD database is not available, as this variant may be reported differently in the database. This variant, c.2763_2764delinsAA, is a complex sequence change that results in the deletion of 2 and insertion of 2 amino acid(s) in the CPLANE1 protein (p.His921_Phe922delinsGlnIle).

GeneDx
Classification: Uncertain significance. Last evaluated: 2017-06-05. Review status: criteria provided, single submitter. Criteria: GeneDx Variant Classification (06012015). Collection method: clinical testing. Allele origin: germline. Affected: yes.
Comment: A variant of uncertain significance has been identified in the C5orf42 gene. The c.2763_2764delTTinsAA variant has not been published as a pathogenic variant, nor has it been reported as a benign variant to our knowledge. The c.2763_2764delTTinsAA variant is not observed in large population cohorts (Lek et al., 2016; 1000 Genomes Consortium et al., 2015; Exome Variant Server). The c.2763_2764delTTinsAA variant is caused by two nucleotide substitutions (c.2763 T>A and c.2764 T>A) on the same allele (in trans), resulting in an in-frame deletion of Histidine and Phenylalanine residues and the insertion of Glutamine and Isoleucine residues, denoted H921_F922delinsQI. However, these substitutions occur at positions that are not conserved. In silico analysis is inconsistent in its predictions as to whether or not the variant is damaging to the protein structure/function. Therefore, based on the currently available information, it is unclear whether this variant is a pathogenic variant or a rare benign variant.

NM_001384732.1(CPLANE1):c.2763_2764inv (p.His921_Phe922delinsGlnIle)

Gene: CPLANE1 (ciliogenesis and planar polarity effector complex subunit 1; minus strand). Cytogenetic location: 5p13.2.
Variant type: Inversion.
Coding change: c.2763_2764inv on transcript NM_001384732.1 (MANE Select).
Protein change: p.His921_Phe922delinsGlnIle.
Molecular consequence: missense variant.
Genome position: GRCh38 VCF-style: chr5-37213715-AA-TT. GRCh37 (hg19) VCF-style: chr5-37213817-AA-TT.
Other names: c.2763_2764inv, p.His921_Phe922delinsGlnIle (NM_023073.4); c.2763_2764delTTinsAA (NM_023073.3).
Identifiers: ClinVar variation 432475 (VCV000432475.7), ClinGen allele CA645372406.